The following is an entry in ClinVar:

NC_000014.9:g.(?_104701356)_(104703963_?)del

Gene: INF2 (inverted formin 2; plus strand). Cytogenetic location: 14q32.33.
Variant type: Deletion.
Identifiers: ClinVar variation 652975 (VCV000652975.5).

ClinVar aggregate classification (germline): Uncertain significance (1 of 4 stars; one submission).

Conditions:
Focal segmental glomerulosclerosis 5 (FSGS5). Identifiers: Orphanet 656, MedGen C2750475, MONDO:0013191, OMIM 613237.
Charcot-Marie-Tooth disease dominant intermediate E. Also called: CHARCOT-MARIE-TOOTH NEUROPATHY WITH FOCAL SEGMENTAL GLOMERULONEPHRITIS. Identifiers: Orphanet 93114, MedGen C4302667, MONDO:0013758, OMIM 614455.

Submission:

Labcorp Genetics (formerly Invitae), Labcorp
Classification: Uncertain significance for Charcot-Marie-Tooth disease dominant intermediate E; Focal segmental glomerulosclerosis 5. Last evaluated: 2018-09-21. Review status: criteria provided, single submitter. Criteria: Invitae Variant Classification Sherloc (09022015). Collection method: clinical testing. Allele origin: germline.
Comment: This variant is a gross deletion of the genomic region encompassing exons 2-5 of the INF2 gene, which includes the initiator codon. The 5' end of this event is unknown as it extends beyond the assayed region for this gene and therefore may encompass additional genes. The 3' boundary is likely confined to intron 5 of the INF2 gene. This is expected to result in an absent or disrupted protein product. In summary, the available evidence is currently insufficient to determine the role of this variant in disease. Therefore, it has been classified as a Variant of Uncertain Significance. The current clinical and genetic evidence is not sufficient to establish whether loss-of-function variants in INF2 cause disease. This variant has not been reported in the literature in individuals with INF2-related disease.